The following is an entry in ClinVar:

NM_006493.4(CLN5):c.304T>G (p.Trp102Gly)

Gene: CLN5 (CLN5 lysosomal BMP synthase; plus strand). Cytogenetic location: 13q22.3.
Variant type: single nucleotide variant.
Coding change: c.304T>G on transcript NM_006493.4 (MANE Select); coding-DNA position 304, T replaced by G.
Protein change: p.Trp102Gly; replaces tryptophan 102 with glycine.
Molecular consequence: missense variant.
Genome position (GRCh38, 1-based): chr13:76,995,193, T>G. VCF-style: chr13-76995193-T-G. GRCh37 (hg19) VCF-style: chr13-77569328-T-G.
Other names: c.451T>G (LRG_692t1); c.304T>G, p.Trp102Gly (NM_001366624.2); short protein forms W102G.
Identifiers: ClinVar variation 576980 (VCV000576980.5), dbSNP rs1048147140, ClinGen allele CA252176367.

ClinVar aggregate classification (germline): Uncertain significance. Review status: criteria provided, multiple submitters, no conflicts (2 of 4 stars). 2 submissions from 2 submitters: Uncertain significance (2). Last evaluated 2024-12-23.

Conditions:
Inborn genetic diseases. Identifiers: MedGen C0950123, MeSH D030342.
Neuronal ceroid lipofuscinosis. Also called: Neuronal Ceroid Lipofuscinoses. Identifiers: Orphanet 216, Orphanet 79263, MedGen C0027877, MONDO:0016295. Disease mechanism: loss of function.

Allele frequency attached by ClinVar (database versions not stated): gnomAD exomes below 0.00001 and 0.00001; TOPMed 0.00002; gnomAD 0.00003.
gnomAD v4.1: 10 of 1,614,008 alleles (0.00062%); highest among the groups gnomAD compares: African/African-American, 0.0013%; no homozygotes.

Submissions (2):

Ambry Genetics
Classification: Uncertain significance for Inborn genetic diseases. Last evaluated: 2024-12-23. Review status: criteria provided, single submitter. Criteria: Ambry Variant Classification Scheme 2023. Collection method: clinical testing. Allele origin: germline.

Labcorp Genetics (formerly Invitae), Labcorp
Classification: Uncertain significance for Neuronal ceroid lipofuscinosis. Last evaluated: 2022-08-12. Review status: criteria provided, single submitter. Criteria: Invitae Variant Classification Sherloc (09022015). Collection method: clinical testing. Allele origin: germline.
Comment: This sequence change replaces tryptophan, which is neutral and slightly polar, with glycine, which is neutral and non-polar, at codon 151 of the CLN5 protein (p.Trp151Gly). This variant is present in population databases (no rsID available, gnomAD 0.002%). This variant has not been reported in the literature in individuals affected with CLN5-related conditions. ClinVar contains an entry for this variant (Variation ID: 576980). Algorithms developed to predict the effect of missense changes on protein structure and function (SIFT, PolyPhen-2, Align-GVGD) all suggest that this variant is likely to be disruptive. In summary, the available evidence is currently insufficient to determine the role of this variant in disease. Therefore, it has been classified as a Variant of Uncertain Significance.